The following is an entry in ClinVar:

NM_000384.3(APOB):c.9043G>A (p.Ala3015Thr)

Gene: APOB (apolipoprotein B; minus strand). Cytogenetic location: 2p24.1.
Variant type: single nucleotide variant.
Coding change: c.9043G>A on transcript NM_000384.3 (MANE Select); coding-DNA position 9043, G replaced by A.
Protein change: p.Ala3015Thr; replaces alanine 3015 with threonine.
Molecular consequence: missense variant.
Genome position (GRCh38, 1-based): chr2:21,007,825, C>T on the plus strand (G>A on the coding strand, the complement: APOB is on the minus strand). VCF-style: chr2-21007825-C-T. GRCh37 (hg19) VCF-style: chr2-21230697-C-T.
Other names: short protein forms A3015T.
Identifiers: ClinVar variation 3758948 (VCV003758948.3), dbSNP rs1663188386.

ClinVar aggregate classification (germline): Uncertain significance. Review status: criteria provided, multiple submitters, no conflicts (2 of 4 stars). 2 submissions from 2 submitters: Uncertain significance (2). Last evaluated 2026-09-11.

Conditions:
Familial hypobetalipoproteinemia 1. Also called: APOB-Related Familial Hypobetalipoproteinemia; Hypobetalipoproteinemia, normotriglyceridemic; Acanthocytosis with hypobetalipoproteinemia. Identifiers: MedGen C4551990, MONDO:0014252, OMIM 615558.
Hypercholesterolemia, autosomal dominant, type B (FHCL2). Also called: Familial Hypercholesterolemia Type B; APOLIPOPROTEIN B-100, FAMILIAL DEFECTIVE; APOLIPOPROTEIN B-100, FAMILIAL LIGAND-DEFECTIVE; HYPERCHOLESTEROLEMIA, FAMILIAL, DUE TO LIGAND-DEFECTIVE APOLIPOPROTEIN B; Hyperlipoproteinemia Type IIb; APOB-Related Familial Hypercholesterolemia, Autosomal Dominant. Identifiers: MedGen C1704417, MONDO:0007751, OMIM 144010.
Cardiovascular phenotype. Identifiers: MedGen CN230736.

Allele frequency attached by ClinVar (database versions not stated): gnomAD 0.00001.
gnomAD v4.1: 5 of 1,613,976 alleles (0.00031%); highest among the groups gnomAD compares: Admixed American, 0.0017%; no homozygotes.

Submissions (2):

Ambry Genetics
Classification: Uncertain significance for Cardiovascular phenotype. Last evaluated: 2026-09-11. Review status: criteria provided, single submitter. Criteria: Ambry Variant Classification Scheme 2023. Collection method: clinical testing. Allele origin: germline.
Comment: The p.A3015T variant (also known as c.9043G>A), located in coding exon 26 of the APOB gene, results from a G to A substitution at nucleotide position 9043. The alanine at codon 3015 is replaced by threonine, an amino acid with similar properties. This amino acid position is conserved. In addition, this alteration is predicted to be tolerated by in silico analysis. Based on the available evidence, the clinical significance of this variant remains unclear.

Labcorp Genetics (formerly Invitae), Labcorp
Classification: Uncertain significance for Familial hypobetalipoproteinemia 1; Hypercholesterolemia, autosomal dominant, type B. Last evaluated: 2024-07-23. Review status: criteria provided, single submitter. Criteria: Invitae Variant Classification Sherloc (09022015). Collection method: clinical testing. Allele origin: germline.
Comment: This sequence change replaces alanine, which is neutral and non-polar, with threonine, which is neutral and polar, at codon 3015 of the APOB protein (p.Ala3015Thr). This variant is not present in population databases (gnomAD no frequency). This variant has not been reported in the literature in individuals affected with APOB-related conditions. Advanced modeling of protein sequence and biophysical properties (such as structural, functional, and spatial information, amino acid conservation, physicochemical variation, residue mobility, and thermodynamic stability) performed at Invitae indicates that this missense variant is not expected to disrupt APOB protein function with a negative predictive value of 95%. In summary, the available evidence is currently insufficient to determine the role of this variant in disease. Therefore, it has been classified as a Variant of Uncertain Significance.